The following is an entry in ClinVar:

NM_000350.3(ABCA4):c.2829del (p.Pro944fs)

Gene: ABCA4 (ATP binding cassette subfamily A member 4; minus strand). Cytogenetic location: 1p22.1.
Variant type: Deletion.
Coding change: c.2829del on transcript NM_000350.3 (MANE Select); coding-DNA position 2829, one base deleted (G; older notation c.2829delG).
Protein change: p.Pro944fs; shifts the reading frame from proline 944.
Molecular consequence: frameshift variant.
Genome position (GRCh38, 1-based): chr1:94,047,008, C deleted on the plus strand (G on the coding strand, the reverse complement: ABCA4 is on the minus strand); the first of 2 consecutive C bases (chr1:94,047,008-94,047,009); deleting either gives the same sequence. VCF-style (leftmost placement, unchanged base first): chr1-94047007-GC-G. GRCh37 (hg19) VCF-style: chr1-94512563-GC-G.
Other names: c.2606delG, p.Pro870Glnfs (NM_001425324.1); short protein forms P944fs.
Identifiers: ClinVar variation 987414 (VCV000987414.38), dbSNP rs1660702616, ClinGen allele CA645372184.

ClinVar aggregate classification (germline): Pathogenic. Review status: criteria provided, multiple submitters, no conflicts (2 of 4 stars). 4 submissions from 4 submitters: Pathogenic (4). Last evaluated 2025-08-16.

Conditions:
Retinal dystrophy. Also called: Inherited retinal dystrophy. Identifiers: Orphanet 71862, MedGen C0854723, MeSH D058499, MONDO:0019118, HP:0000556.

Submissions (4):

Labcorp Genetics (formerly Invitae), Labcorp
Classification: Pathogenic. Last evaluated: 2025-08-16. Review status: criteria provided, single submitter. Criteria: Invitae Variant Classification Sherloc (09022015). Collection method: clinical testing. Allele origin: germline.
Comment: This sequence change creates a premature translational stop signal (p.Pro944Glnfs*6) in the ABCA4 gene. It is expected to result in an absent or disrupted protein product. Loss-of-function variants in ABCA4 are known to be pathogenic (PMID: 10958761, 24938718, 25312043, 26780318). This variant is not present in population databases (gnomAD no frequency). This premature translational stop signal has been observed in individual(s) with Stargardt disease. (PMID: 23882696). ClinVar contains an entry for this variant (Variation ID: 987414). For these reasons, this variant has been classified as Pathogenic.

CeGaT Center for Human Genetics Tuebingen
Classification: Pathogenic. Last evaluated: 2021-06-01. Review status: criteria provided, single submitter. Criteria: CeGaT Center For Human Genetics Tuebingen Variant Classification Criteria Version 2. Collection method: clinical testing. Allele origin: germline. Affected: yes. Observed: 1 variant allele.

Institute of Medical Genetics and Applied Genomics, University Hospital Tübingen
Classification: Pathogenic. Last evaluated: 2020-10-23. Review status: criteria provided, single submitter. Criteria: ACMG Guidelines, 2015. Collection method: clinical testing. Allele origin: germline. Inheritance: Autosomal recessive inheritance. Affected: yes.

Institute of Human Genetics, Univ. Regensburg, Univ. Regensburg
Classification: Pathogenic for Retinal dystrophy. Last evaluated: 2017-01-01. Review status: criteria provided, single submitter. Criteria: ACMG Guidelines, 2015. Collection method: clinical testing. Allele origin: germline. Affected: yes.

Literature cited by the submitters: PubMed 10958761 (cited by Labcorp Genetics (formerly Invitae), Labcorp); PubMed 24938718 (cited by Labcorp Genetics (formerly Invitae), Labcorp); PubMed 25312043 (cited by Labcorp Genetics (formerly Invitae), Labcorp); PubMed 26780318 (cited by Labcorp Genetics (formerly Invitae), Labcorp); PubMed 23882696 (cited by Labcorp Genetics (formerly Invitae), Labcorp and Institute of Human Genetics, Univ. Regensburg, Univ. Regensburg).